The following is an entry in ClinVar:

ClinVar aggregate classification (germline): Conflicting classifications of pathogenicity. Review status: criteria provided, conflicting classifications (1 of 4 stars). 5 submissions from 5 submitters: Uncertain significance (1); Benign (1); Likely benign (3). Last evaluated 2025-11-19.

Conditions:
Hereditary cancer-predisposing syndrome. Also called: Neoplastic Syndromes, Hereditary; Hereditary neoplastic syndrome; Tumor predisposition; Hereditary Cancer Syndrome. Identifiers: Orphanet 140162, MedGen C0027672, MeSH D009386, MONDO:0015356.
Tuberous sclerosis syndrome (TSC). Also called: Tuberous Sclerosis Complex; Tuberous sclerosis. Identifiers: Orphanet 805, MedGen C0041341, MONDO:0001734.
Tuberous sclerosis 1 (TSC1). Identifiers: Orphanet 805, MedGen C1854465, MONDO:0008612, OMIM 191100.

Allele frequency attached by ClinVar (database versions not stated): TOPMed below 0.00001; ExAC 0.00001; gnomAD exomes 0.00001.
gnomAD v4.1: 16 of 1,613,896 alleles (0.00099%); highest among the groups gnomAD compares: Non-Finnish European, 0.0014%; no homozygotes.

Submissions (5):

Labcorp Genetics (formerly Invitae), Labcorp
Classification: Likely benign for Tuberous sclerosis 1. Last evaluated: 2025-11-19. Review status: criteria provided, single submitter. Criteria: Invitae Variant Classification Sherloc (09022015). Collection method: clinical testing. Allele origin: germline.

Myriad Genetics, Inc.
Classification: Benign for Tuberous sclerosis 1. Last evaluated: 2025-04-10. Review status: criteria provided, single submitter. Criteria: Myriad Autosomal Dominant, Autosomal Recessive and X-Linked Classification Criteria (2023). Collection method: clinical testing. Allele origin: unknown.
Comment: This variant is considered benign. This variant is a silent/synonymous amino acid change and it is not expected to impact splicing.

ARUP Laboratories, Molecular Genetics and Genomics, ARUP Laboratories
Classification: Likely benign. Last evaluated: 2024-08-26. Review status: criteria provided, single submitter. Criteria: ARUP Molecular Germline Variant Investigation Process 2024. Collection method: clinical testing. Allele origin: germline.

Ambry Genetics
Classification: Likely benign for Hereditary cancer-predisposing syndrome. Last evaluated: 2023-12-15. Review status: criteria provided, single submitter. Criteria: Ambry Variant Classification Scheme 2023. Collection method: clinical testing. Allele origin: germline.

All of Us Research Program, National Institutes of Health
Classification: Uncertain significance for Tuberous sclerosis syndrome. Last evaluated: 2023-06-26. Review status: criteria provided, single submitter. Criteria: ACMG Guidelines, 2015. Collection method: clinical testing. Allele origin: germline. Inheritance: Autosomal dominant inheritance. Observed: 1 variant allele, 1 heterozygote.
Comment: This variant is located in the TSC1 protein. To our knowledge, functional studies have not been reported for this variant. This variant has not been reported in individuals affected with TSC1-related disorders in the literature. This variant has been identified in 2/250994 chromosomes in the general population by the Genome Aggregation Database (gnomAD). The available evidence is insufficient to determine the role of this variant in disease conclusively. Therefore, this variant is classified as a Variant of Uncertain Significance.

This study involves interpretation of variants in research participants for the purpose of population health screening. Participant phenotype was not available at the time of variant classification. Additional details can be found in publication PMID: 35346344, PMCID: PMC8962531

NM_000368.5(TSC1):c.1539A>G (p.Pro513=)

Gene: TSC1 (TSC complex subunit 1; minus strand). Cytogenetic location: 9q34.13.
Variant type: single nucleotide variant.
Coding change: c.1539A>G on transcript NM_000368.5 (MANE Select); coding-DNA position 1539, A replaced by G.
Protein change: p.Pro513=; no amino-acid change (proline 513 retained).
Molecular consequence: synonymous variant.
Genome position (GRCh38, 1-based): chr9:132,906,039, T>C on the plus strand (A>G on the coding strand, the complement: TSC1 is on the minus strand). VCF-style: chr9-132906039-T-C. GRCh37 (hg19) VCF-style: chr9-135781426-T-C.
Other names: c.1536A>G, p.Pro512= (NM_001162426.2); c.1386A>G, p.Pro462= (NM_001162427.2); c.1176A>G, p.Pro392= (NM_001362177.2).
Identifiers: ClinVar variation 534495 (VCV000534495.14), dbSNP rs755055358, ClinGen allele CA028984.